The following is an entry in ClinVar:

ClinVar aggregate classification (germline): Uncertain significance (1 of 4 stars; one submission).

Conditions:
Arterial dissection. Identifiers: MedGen C0002949, HP:0005294.

Submission:

Clinical Genetics Laboratory, Skane University Hospital Lund
Classification: Uncertain significance for Arterial dissection. Last evaluated: 2026-09-29. Review status: criteria provided, single submitter. Criteria: ACMG Guidelines, 2015. Collection method: clinical testing. Allele origin: germline. Affected: yes.
Comment: ACMG criterias used: PS1_supporting, PM2 and PP3.

NM_000090.4(COL3A1):c.1293+4dup

Gene: COL3A1 (collagen type III alpha 1 chain; plus strand). Cytogenetic location: 2q32.2.
Variant type: Duplication.
Coding change: c.1293+4dup on transcript NM_000090.4 (MANE Select); 4 bases into the intron after coding-DNA position 1293, one base duplicated (A; older notation c.1293+4dupA).
Molecular consequence: intron variant.
Genome position (GRCh38, 1-based): chr2:188,994,336, A duplicated; the last of 2 consecutive A bases (chr2:188,994,335-188,994,336); duplicating either gives the same sequence. VCF-style (leftmost placement, unchanged base first): chr2-188994334-T-TA. GRCh37 (hg19) VCF-style: chr2-189859060-T-TA.
Identifiers: ClinVar variation 4990825 (VCV004990825.1).